The following is an entry in ClinVar:

ClinVar aggregate classification (germline): Uncertain significance. Review status: criteria provided, multiple submitters, no conflicts (2 of 4 stars). 2 submissions from 2 submitters: Uncertain significance (2). Last evaluated 2025-04-14.

Conditions:
Familial melanoma. Also called: Hereditary melanoma; Hereditary cutaneous melanoma. Identifiers: Orphanet 618, MedGen C1512419, MONDO:0018961.
Hereditary cancer-predisposing syndrome. Also called: Tumor predisposition; Hereditary neoplastic syndrome; Neoplastic Syndromes, Hereditary; Hereditary Cancer Syndrome. Identifiers: Orphanet 140162, MedGen C0027672, MeSH D009386, MONDO:0015356.

Submissions (2):

Ambry Genetics
Classification: Uncertain significance for Hereditary cancer-predisposing syndrome. Last evaluated: 2025-04-14. Review status: criteria provided, single submitter. Criteria: Ambry Variant Classification Scheme 2023. Collection method: clinical testing. Allele origin: germline.
Comment: The p.P61S variant (also known as c.181C>T), located in coding exon 1 in the p14(ARF) isoform of the CDKN2A gene, results from a C to T substitution at nucleotide position 181. The proline at codon 61 is replaced by serine, an amino acid with similar properties. This amino acid position is well conserved in available vertebrate species. In addition, this alteration is predicted to be tolerated by in silico analysis. Based on the available evidence, the clinical significance of this variant remains unclear.

Labcorp Genetics (formerly Invitae), Labcorp
Classification: Uncertain significance for Familial melanoma. Last evaluated: 2021-07-14. Review status: criteria provided, single submitter. Criteria: Invitae Variant Classification Sherloc (09022015). Collection method: clinical testing. Allele origin: germline.

NM_058195.4(CDKN2A):c.181C>T (p.Pro61Ser)

Gene: CDKN2A (cyclin dependent kinase inhibitor 2A; minus strand). Cytogenetic location: 9p21.3.
Variant type: single nucleotide variant.
Coding change: c.181C>T on transcript NM_058195.4 (MANE Plus Clinical); coding-DNA position 181, C replaced by T.
Protein change: p.Pro61Ser; replaces proline 61 with serine.
Molecular consequence: missense variant. On other transcripts: intron variant (1).
Genome position (GRCh38, 1-based): chr9:21,994,151, G>A on the plus strand (C>T on the coding strand, the complement: CDKN2A is on the minus strand). VCF-style: chr9-21994151-G-A. GRCh37 (hg19) VCF-style: chr9-21994150-G-A.
Other names: c.-4+670C>T (NM_001363763.2); short protein forms P61S.
Identifiers: ClinVar variation 666071 (VCV000666071.6), dbSNP rs1587358229, ClinGen allele CA373086785.
Genomic context (GRCh38, chr9:21,994,151, plus strand): 5'-CAAAACAAGTGCCGAATGCGCCCCGGACTTTTCGAGGGCCTTTCCTACCTGGTCTTCTAG[G>A]AAGCGGCTGCTGCCCTAGACGCTGGCTCCTCAGTAGCATCAGCACGAGGGCCACAGCGGC-3'
Protein context (NP_478102.2, residues 51-71): RSQRLGQQPL[Pro61Ser]RRPGHDDGQR